The following is an entry in ClinVar:

NM_014249.4(NR2E3):c.1101-2A>T

Gene: NR2E3 (nuclear receptor subfamily 2 group E member 3; plus strand). Cytogenetic location: 15q23.
Variant type: single nucleotide variant.
Coding change: c.1101-2A>T on transcript NM_014249.4 (MANE Select); the canonical splice acceptor site of the intron before coding-DNA position 1101, A replaced by T.
Molecular consequence: splice acceptor variant.
Genome position (GRCh38, 1-based): chr15:71,817,550, A>T. VCF-style: chr15-71817550-A-T. GRCh37 (hg19) VCF-style: chr15-72109891-A-T.
Identifiers: ClinVar variation 2181906 (VCV002181906.4), dbSNP rs2054236685, ClinGen allele CA393040964.

ClinVar aggregate classification (germline): Uncertain significance (1 of 4 stars; one submission).

Submission:

Labcorp Genetics (formerly Invitae), Labcorp
Classification: Uncertain significance. Last evaluated: 2022-07-30. Review status: criteria provided, single submitter. Criteria: Invitae Variant Classification Sherloc (09022015). Collection method: clinical testing. Allele origin: germline.
Comment: In summary, the available evidence is currently insufficient to determine the role of this variant in disease. Therefore, it has been classified as a Variant of Uncertain Significance. Variants that disrupt the consensus splice site are a relatively common cause of aberrant splicing (PMID: 17576681, 9536098). Algorithms developed to predict the effect of sequence changes on RNA splicing suggest that this variant may disrupt the consensus splice site. This variant has not been reported in the literature in individuals affected with NR2E3-related conditions. This variant is not present in population databases (gnomAD no frequency). This sequence change affects an acceptor splice site in intron 7 of the NR2E3 gene. While this variant is not anticipated to result in nonsense mediated decay, it likely alters RNA splicing and results in a disrupted protein product.

Literature cited by the submitters: PubMed 17576681; PubMed 9536098.